The following is an entry in ClinVar:

ClinVar aggregate classification (germline): Uncertain significance (1 of 4 stars; one submission).

Conditions:
Intellectual developmental disorder, autosomal dominant 6, with or without seizures. Also called: GRIN2B-related developmental delay, intellectual disability and autism spectrum disorder; Intellectual disability, autosomal dominant 6. Identifiers: Orphanet 589547, MedGen C3151411, MONDO:0013509, OMIM 613970.
Developmental and epileptic encephalopathy, 27 (DEE27). Also called: Epileptic encephalopathy, early infantile, 27; GRIN2B-Related Neurodevelopmental Disorder. Identifiers: Orphanet 3451, MedGen C4015316, MONDO:0014505, OMIM 616139.

Submission:

Labcorp Genetics (formerly Invitae), Labcorp
Classification: Uncertain significance for Developmental and epileptic encephalopathy, 27; Intellectual developmental disorder, autosomal dominant 6, with or without seizures. Last evaluated: 2023-05-24. Review status: criteria provided, single submitter. Criteria: Invitae Variant Classification Sherloc (09022015). Collection method: clinical testing. Allele origin: germline.
Comment: In summary, the available evidence is currently insufficient to determine the role of this variant in disease. Therefore, it has been classified as a Variant of Uncertain Significance. Advanced modeling of protein sequence and biophysical properties (such as structural, functional, and spatial information, amino acid conservation, physicochemical variation, residue mobility, and thermodynamic stability) performed at Invitae indicates that this missense variant is not expected to disrupt GRIN2B protein function. This variant has not been reported in the literature in individuals affected with GRIN2B-related conditions. This variant is not present in population databases (gnomAD no frequency). This sequence change replaces isoleucine, which is neutral and non-polar, with serine, which is neutral and polar, at codon 1025 of the GRIN2B protein (p.Ile1025Ser).

NM_000834.5(GRIN2B):c.3074T>G (p.Ile1025Ser)

Gene: GRIN2B (glutamate ionotropic receptor NMDA type subunit 2B; minus strand). Cytogenetic location: 12p13.1.
Variant type: single nucleotide variant.
Coding change: c.3074T>G on transcript NM_000834.5 (MANE Select); coding-DNA position 3074, T replaced by G.
Protein change: p.Ile1025Ser; replaces isoleucine 1025 with serine.
Molecular consequence: missense variant.
Genome position (GRCh38, 1-based): chr12:13,564,164, A>C on the plus strand (T>G on the coding strand, the complement: GRIN2B is on the minus strand). VCF-style: chr12-13564164-A-C. GRCh37 (hg19) VCF-style: chr12-13717098-A-C.
Other names: c.3074T>G, p.Ile1025Ser (NM_001413992.1); short protein forms I1025S.
Identifiers: ClinVar variation 2936352 (VCV002936352.3), dbSNP rs759983003, ClinGen allele CA383992236.